The following is an entry in ClinVar:

NM_001126121.2(SLC25A19):c.414C>T (p.Pro138=)

Gene: SLC25A19 (solute carrier family 25 member 19; minus strand). Cytogenetic location: 17q25.1.
Variant type: single nucleotide variant.
Coding change: c.414C>T on transcript NM_001126121.2 (MANE Select); coding-DNA position 414, C replaced by T.
Protein change: p.Pro138=; no amino-acid change (proline 138 retained).
Molecular consequence: synonymous variant.
Genome position (GRCh38, 1-based): chr17:75,283,468, G>A on the plus strand (C>T on the coding strand, the complement: SLC25A19 is on the minus strand). VCF-style: chr17-75283468-G-A. GRCh37 (hg19) VCF-style: chr17-73279549-G-A.
Other names: c.414C>T, p.Pro138= (NM_001126122.2, NM_021734.5).
Identifiers: ClinVar variation 130331 (VCV000130331.6), dbSNP rs532597121, ClinGen allele CA155223.

ClinVar aggregate classification (germline): Benign/Likely benign. Review status: criteria provided, multiple submitters, no conflicts (2 of 4 stars). 2 submissions from 2 submitters: Benign (1); Likely benign (1). Last evaluated 2017-06-19.

Allele frequency attached by ClinVar (database versions not stated): gnomAD 0.00001 and 0.00002; gnomAD exomes 0.00002; TOPMed 0.00002; ExAC 0.00004; 1000 Genomes Project 30x 0.00016; 1000 Genomes Project 0.00020.
gnomAD v4.1: 39 of 1,612,876 alleles (0.0024%); highest among the groups gnomAD compares: South Asian, 0.0099%; no homozygotes.

Submissions (2):

GeneDx
Classification: Likely benign. Last evaluated: 2017-06-19. Review status: criteria provided, single submitter. Criteria: GeneDx Variant Classification (06012015). Collection method: clinical testing. Allele origin: germline. Affected: yes.
Comment: This variant is considered likely benign or benign based on one or more of the following criteria: it is a conservative change, it occurs at a poorly conserved position in the protein, it is predicted to be benign by multiple in silico algorithms, and/or has population frequency not consistent with disease.

Genetic Services Laboratory, University of Chicago
Classification: Benign for AllHighlyPenetrant. Last evaluated: 2013-12-17. Review status: criteria provided, single submitter. Criteria: ACMG Guidelines, 2007. Collection method: clinical testing. Allele origin: germline. Inheritance: Autosomal recessive inheritance.